The following is an entry in ClinVar:

ClinVar aggregate classification (germline): Uncertain significance (1 of 4 stars; one submission).

Conditions:
Hereditary cancer-predisposing syndrome. Also called: Tumor predisposition; Hereditary neoplastic syndrome; Hereditary Cancer Syndrome; Neoplastic Syndromes, Hereditary. Identifiers: Orphanet 140162, MedGen C0027672, MeSH D009386, MONDO:0015356.

Submission:

Ambry Genetics
Classification: Uncertain significance for Hereditary cancer-predisposing syndrome. Last evaluated: 2023-02-15. Review status: criteria provided, single submitter. Criteria: Ambry Variant Classification Scheme 2023. Collection method: clinical testing. Allele origin: germline.
Comment: The p.S1081N variant (also known as c.3242G>A), located in coding exon 20 of the ALK gene, results from a G to A substitution at nucleotide position 3242. The serine at codon 1081 is replaced by asparagine, an amino acid with highly similar properties. This amino acid position is conserved. In addition, this alteration is predicted to be tolerated by in silico analysis. Since supporting evidence is limited at this time, the clinical significance of this alteration remains unclear.

NM_004304.5(ALK):c.3242G>A (p.Ser1081Asn)

Gene: ALK (ALK receptor tyrosine kinase; minus strand). Cytogenetic location: 2p23.2.
Variant type: single nucleotide variant.
Coding change: c.3242G>A on transcript NM_004304.5 (MANE Select); coding-DNA position 3242, G replaced by A.
Protein change: p.Ser1081Asn; replaces serine 1081 with asparagine.
Molecular consequence: missense variant.
Genome position (GRCh38, 1-based): chr2:29,223,459, C>T on the plus strand (G>A on the coding strand, the complement: ALK is on the minus strand). VCF-style: chr2-29223459-C-T. GRCh37 (hg19) VCF-style: chr2-29446325-C-T.
Other names: c.38G>A, p.Ser13Asn (NM_001353765.2); short protein forms S1081N, S13N.
Identifiers: ClinVar variation 3223859 (VCV003223859.1), dbSNP rs2148171014, ClinGen allele CA346465310.